The following is an entry in ClinVar:

NM_002047.4(GARS1):c.529G>C (p.Glu177Gln)

Gene: GARS1 (glycyl-tRNA synthetase 1; plus strand). Cytogenetic location: 7p14.3.
Variant type: single nucleotide variant.
Coding change: c.529G>C on transcript NM_002047.4 (MANE Select); coding-DNA position 529, G replaced by C.
Protein change: p.Glu177Gln; replaces glutamic acid 177 with glutamine.
Molecular consequence: missense variant.
Genome position (GRCh38, 1-based): chr7:30,601,160, G>C. VCF-style: chr7-30601160-G-C. GRCh37 (hg19) VCF-style: chr7-30640776-G-C.
Other names: c.367G>C, p.Glu123Gln (NM_001316772.1); short protein forms E123Q, E177Q.
Identifiers: ClinVar variation 3633371 (VCV003633371.2).

ClinVar aggregate classification (germline): Uncertain significance (1 of 4 stars; one submission).

Conditions:
Charcot-Marie-Tooth disease type 2. Also called: Charcot-Marie-Tooth type 2. Identifiers: Orphanet 64746, MedGen C0270914, MONDO:0018993.

Submission:

Labcorp Genetics (formerly Invitae), Labcorp
Classification: Uncertain significance for Charcot-Marie-Tooth disease type 2. Last evaluated: 2024-06-11. Review status: criteria provided, single submitter. Criteria: Invitae Variant Classification Sherloc (09022015). Collection method: clinical testing. Allele origin: germline.
Comment: This sequence change replaces glutamic acid, which is acidic and polar, with glutamine, which is neutral and polar, at codon 177 of the GARS protein (p.Glu177Gln). This variant is not present in population databases (gnomAD no frequency). This variant has not been reported in the literature in individuals affected with GARS-related conditions. Advanced modeling of protein sequence and biophysical properties (such as structural, functional, and spatial information, amino acid conservation, physicochemical variation, residue mobility, and thermodynamic stability) performed at Invitae indicates that this missense variant is not expected to disrupt GARS protein function with a negative predictive value of 80%. In summary, the available evidence is currently insufficient to determine the role of this variant in disease. Therefore, it has been classified as a Variant of Uncertain Significance.